The following is an entry in ClinVar:

NM_000525.4(KCNJ11):c.579C>T (p.His193=)

Gene: KCNJ11 (potassium inwardly rectifying channel subfamily J member 11; minus strand). Cytogenetic location: 11p15.1.
Variant type: single nucleotide variant.
Coding change: c.579C>T on transcript NM_000525.4 (MANE Select); coding-DNA position 579, C replaced by T.
Protein change: p.His193=; no amino-acid change (histidine 193 retained).
Molecular consequence: synonymous variant.
Genome position (GRCh38, 1-based): chr11:17,387,513, G>A on the plus strand (C>T on the coding strand, the complement: KCNJ11 is on the minus strand). VCF-style: chr11-17387513-G-A. GRCh37 (hg19) VCF-style: chr11-17409060-G-A.
Other names: c.318C>T, p.His106= (NM_001166290.2, NM_001377296.1, NM_001377297.1).
Identifiers: ClinVar variation 795972 (VCV000795972.13), dbSNP rs762089425, ClinGen allele CA5902276.

ClinVar aggregate classification (germline): Conflicting classifications of pathogenicity. Review status: criteria provided, conflicting classifications (1 of 4 stars). 4 submissions from 4 submitters: Uncertain significance (1); Likely benign (2). 1 of the submissions does not count toward it. Last evaluated 2024-10-09.

Conditions:
Inborn genetic diseases. Identifiers: MedGen C0950123, MeSH D030342.
Permanent neonatal diabetes mellitus (PNDM). Identifiers: Orphanet 99885, MedGen C1833104, MONDO:0100164, MONDO:0011643. Disease mechanism: gain of function.
Maturity-onset diabetes of the young (MODY). Also called: Maturity onset diabetes mellitus in young. Identifiers: Orphanet 552, MedGen C0342276, MONDO:0018911, HP:0004904.

Allele frequency attached by ClinVar (database versions not stated): gnomAD exomes 0.00001 and 0.00002; TOPMed 0.00001; ExAC 0.00002; gnomAD 0.00003.
gnomAD v4.1: 20 of 1,611,798 alleles (0.0012%); highest among the groups gnomAD compares: Middle Eastern, 0.033%; no homozygotes.

Submissions (4):

Ambry Genetics
Classification: Likely benign for Inborn genetic diseases. Last evaluated: 2024-10-09. Review status: criteria provided, single submitter. Criteria: Ambry Variant Classification Scheme 2023. Collection method: clinical testing. Allele origin: germline.

Labcorp Genetics (formerly Invitae), Labcorp
Classification: Likely benign. Last evaluated: 2023-07-29. Review status: criteria provided, single submitter. Criteria: Invitae Variant Classification Sherloc (09022015). Collection method: clinical testing. Allele origin: germline.

Clinical Genomics, Uppaluri K&H Personalized Medicine Clinic
Classification: Uncertain significance for Maturity-onset diabetes of the young. Review status: criteria provided, single submitter. Criteria: K&H Uppaluri Personalized Medicine Clinic Variant Classification & Assertion Criteria. Collection method: research. Allele origin: somatic. Inheritance: Autosomal dominant inheritance.
Comment: Mutations in KCNJ11 gene can cause decreased production and secretion of insulin. This can lead to MODY which may be responsive to oral sulfonylureas. It is also associated with Neonatal Diabetes. However, no sufficient evidence is found to ascertain the role of rs762089425 variant in MODY yet.

Natera, Inc.
Classification: Likely benign for Permanent neonatal diabetes mellitus. Last evaluated: 2020-03-16. Review status: no assertion criteria provided. Collection method: clinical testing. Allele origin: germline. Not counted in ClinVar's aggregate classification.

Literature cited by the submitters: PubMed 26448950 (cited by Clinical Genomics, Uppaluri K&H Personalized Medicine Clinic); PubMed 15580558 (cited by Clinical Genomics, Uppaluri K&H Personalized Medicine Clinic); PubMed 15718250 (cited by Clinical Genomics, Uppaluri K&H Personalized Medicine Clinic); PubMed 32935446 (cited by Clinical Genomics, Uppaluri K&H Personalized Medicine Clinic); PubMed 22701567 (cited by Clinical Genomics, Uppaluri K&H Personalized Medicine Clinic).